The following is an entry in ClinVar:

NM_003664.5(AP3B1):c.2776A>G (p.Ile926Val)

Gene: AP3B1 (adaptor related protein complex 3 subunit beta 1; minus strand). Cytogenetic location: 5q14.1.
Variant type: single nucleotide variant.
Coding change: c.2776A>G on transcript NM_003664.5 (MANE Select); coding-DNA position 2776, A replaced by G.
Protein change: p.Ile926Val; replaces isoleucine 926 with valine.
Molecular consequence: missense variant.
Genome position (GRCh38, 1-based): chr5:78,039,076, T>C on the plus strand (A>G on the coding strand, the complement: AP3B1 is on the minus strand). VCF-style: chr5-78039076-T-C. GRCh37 (hg19) VCF-style: chr5-77334900-T-C.
Other names: c.2629A>G, p.Ile877Val (NM_001271769.2); short protein forms I926V, I877V.
Identifiers: ClinVar variation 851874 (VCV000851874.8), dbSNP rs558325834, ClinGen allele CA3316685.

ClinVar aggregate classification (germline): Uncertain significance (1 of 4 stars; one submission).

Conditions:
Hermansky-Pudlak syndrome 2 (HPS2). Also called: Platelet defects and oculocutaneous albinism. Identifiers: Orphanet 183678, Orphanet 79430, MedGen C1842362, MONDO:0011997, OMIM 608233.

Allele frequency attached by ClinVar (database versions not stated): TOPMed below 0.00001; gnomAD 0.00001 and 0.00002; gnomAD exomes 0.00002 and 0.00003; ExAC 0.00003; 1000 Genomes Project 30x 0.00016; 1000 Genomes Project 0.00020.
gnomAD v4.1: 26 of 1,607,642 alleles (0.0016%); highest among the groups gnomAD compares: South Asian, 0.015%; no homozygotes.

Submission:

Labcorp Genetics (formerly Invitae), Labcorp
Classification: Uncertain significance for Hermansky-Pudlak syndrome 2. Last evaluated: 2022-01-07. Review status: criteria provided, single submitter. Criteria: Invitae Variant Classification Sherloc (09022015). Collection method: clinical testing. Allele origin: germline.
Comment: This variant has not been reported in the literature in individuals affected with AP3B1-related conditions. In summary, the available evidence is currently insufficient to determine the role of this variant in disease. Therefore, it has been classified as a Variant of Uncertain Significance. Algorithms developed to predict the effect of missense changes on protein structure and function output the following: SIFT: "Tolerated"; PolyPhen-2: "Benign"; Align-GVGD: "Class C0". The valine amino acid residue is found in multiple mammalian species, which suggests that this missense change does not adversely affect protein function. ClinVar contains an entry for this variant (Variation ID: 851874). This variant is present in population databases (rs558325834, gnomAD 0.01%). This sequence change replaces isoleucine, which is neutral and non-polar, with valine, which is neutral and non-polar, at codon 926 of the AP3B1 protein (p.Ile926Val).